The following is an entry in ClinVar:

NM_024580.6(EFL1):c.2326A>G (p.Met776Val)

Gene: EFL1 (elongation factor like GTPase 1; minus strand). Cytogenetic location: 15q25.2.
Variant type: single nucleotide variant.
Coding change: c.2326A>G on transcript NM_024580.6 (MANE Select); coding-DNA position 2326, A replaced by G.
Protein change: p.Met776Val; replaces methionine 776 with valine.
Molecular consequence: missense variant. On other transcripts: non-coding transcript variant (1).
Genome position (GRCh38, 1-based): chr15:82,152,128, T>C on the plus strand (A>G on the coding strand, the complement: EFL1 is on the minus strand). VCF-style: chr15-82152128-T-C. GRCh37 (hg19) VCF-style: chr15-82444469-T-C.
Other names: c.2326A>G (NM_024580.5); c.2173A>G, p.Met725Val (NM_001040610.3); c.1537A>G, p.Met513Val (NM_001322844.2); c.2326A>G, p.Met776Val (NM_001322845.2); short protein forms M776V, M513V, M725V.
Identifiers: ClinVar variation 717031 (VCV000717031.25), dbSNP rs200845475, ClinGen allele CA7697765.
Genomic context (GRCh38, chr15:82,152,128, plus strand): 5'-TCTTCTGATGAATCATGTGAGTATTTTCACCCTCATTCAAAGAGGATGTCAACTGCTCCA[T>C]AGAACGAATCAAATCACTATTTTCTTCCAGAATCTGGGTGACTTCTTCTGGAAGGGGCAT-3'
Protein context (NP_078856.4, residues 766-786): LEENSDLIRS[Met776Val]EQLTSSLNEG

ClinVar aggregate classification (germline): Likely benign. Review status: criteria provided, multiple submitters, no conflicts (2 of 4 stars). 5 submissions from 5 submitters: Likely benign (3). 2 of the submissions do not count toward it. Last evaluated 2026-01-23.

Conditions:
EFL1-related disorder. Also called: EFL1-related condition.

Allele frequency attached by ClinVar (database versions not stated): TOPMed 0.00065; gnomAD 0.00069 and 0.00081; ESP Exome Variant Server 0.00092; 1000 Genomes Project 0.00120; gnomAD exomes 0.00133 and 0.00153; 1000 Genomes Project 30x 0.00141; ExAC 0.00163.
gnomAD v4.1: 2,060 of 1,614,154 alleles (0.13%); highest among the groups gnomAD compares: South Asian, 0.44%; 6 homozygotes.

Submissions (5):

Labcorp Genetics (formerly Invitae), Labcorp
Classification: Likely benign. Last evaluated: 2026-01-23. Review status: criteria provided, single submitter. Criteria: Invitae Variant Classification Sherloc (09022015). Collection method: clinical testing. Allele origin: germline.

CeGaT Center for Human Genetics Tuebingen
Classification: Likely benign. Last evaluated: 2025-06-01. Review status: criteria provided, single submitter. Criteria: CeGaT Center For Human Genetics Tuebingen Variant Classification Criteria Version 2. Collection method: clinical testing. Allele origin: germline. Affected: yes. Observed: 1 variant allele.
Comment: EFL1: BP4

Blueprint Genetics
Classification: Likely benign. Last evaluated: 2024-11-21. Review status: criteria provided, single submitter. Criteria: ACMG Guidelines, 2015. Collection method: clinical testing. Allele origin: germline.

Genetic Services Laboratory, University of Chicago
Classification: Likely benign. Last evaluated: 2022-09-06. Review status: no assertion criteria provided. Collection method: clinical testing. Allele origin: germline. Affected: no. Not counted in ClinVar's aggregate classification.

PreventionGenetics, part of Exact Sciences
Classification: Likely benign for EFL1-related condition. Last evaluated: 2020-02-25. Review status: no assertion criteria provided. Collection method: clinical testing. Allele origin: germline. Not counted in ClinVar's aggregate classification.
Comment: This variant is classified as likely benign based on ACMG/AMP sequence variant interpretation guidelines (Richards et al. 2015 PMID: 25741868, with internal and published modifications).